The following is an entry in ClinVar:

NM_001013703.4(EIF2AK4):c.3408-14G>C

Gene: EIF2AK4 (eukaryotic translation initiation factor 2 alpha kinase 4; plus strand). Cytogenetic location: 15q15.1.
Variant type: single nucleotide variant.
Coding change: c.3408-14G>C on transcript NM_001013703.4 (MANE Select); 14 bases into the intron before coding-DNA position 3408, G replaced by C.
Molecular consequence: intron variant.
Genome position (GRCh38, 1-based): chr15:40,008,013, G>C. VCF-style: chr15-40008013-G-C. GRCh37 (hg19) VCF-style: chr15-40300214-G-C.
Identifiers: ClinVar variation 381181 (VCV000381181.28), dbSNP rs2279580, ClinGen allele CA7474341.

ClinVar aggregate classification (germline): Benign. Review status: criteria provided, multiple submitters, no conflicts (2 of 4 stars). 7 submissions from 7 submitters: Benign (7). Last evaluated 2026-02-03.

Conditions:
Familial pulmonary capillary hemangiomatosis (PVOD2). Also called: Pulmonary venoocclusive disease 2, autosomal recessive; Pulmonary venoocclusive disease 2. Identifiers: Orphanet 199241, MedGen C0340848, MONDO:0009329, OMIM 234810.

Allele frequency attached by ClinVar (database versions not stated): ESP Exome Variant Server 0.35064; TOPMed 0.35722; gnomAD 0.35755 and 0.36187; gnomAD exomes 0.37691 and 0.39061; 1000 Genomes Project 30x 0.37836; 1000 Genomes Project 0.38019; ExAC 0.39317.
gnomAD v4.1: 563,185 of 1,501,930 alleles (37%); highest among the groups gnomAD compares: Admixed American, 48%; 107,666 homozygotes.

Submissions (7):

Labcorp Genetics (formerly Invitae), Labcorp
Classification: Benign. Last evaluated: 2026-02-03. Review status: criteria provided, single submitter. Criteria: Invitae Variant Classification Sherloc (09022015). Collection method: clinical testing. Allele origin: germline.

Blueprint Genetics
Classification: Benign. Last evaluated: 2024-11-27. Review status: criteria provided, single submitter. Criteria: ACMG Guidelines, 2015. Collection method: clinical testing. Allele origin: germline.

Genome-Nilou Lab
Classification: Benign for Familial pulmonary capillary hemangiomatosis. Last evaluated: 2021-07-30. Review status: criteria provided, single submitter. Criteria: ACMG Guidelines, 2015. Collection method: clinical testing. Allele origin: germline. Affected: no.

ARUP Laboratories, Molecular Genetics and Genomics, ARUP Laboratories
Classification: Benign for Familial pulmonary capillary hemangiomatosis. Last evaluated: 2021-02-05. Review status: criteria provided, single submitter. Criteria: ARUP Molecular Germline Variant Investigation Process 2021. Collection method: clinical testing. Allele origin: germline.

GeneDx
Classification: Benign. Last evaluated: 2016-10-11. Review status: criteria provided, single submitter. Criteria: GeneDx Variant Classification (06012015). Collection method: clinical testing. Allele origin: germline. Affected: yes.
Comment: This variant is considered likely benign or benign based on one or more of the following criteria: it is a conservative change, it occurs at a poorly conserved position in the protein, it is predicted to be benign by multiple in silico algorithms, and/or has population frequency not consistent with disease.

Laboratory for Molecular Medicine, Mass General Brigham Personalized Medicine
Classification: Benign. Last evaluated: 2016-03-28. Review status: criteria provided, single submitter. Criteria: LMM Criteria. Collection method: clinical testing. Allele origin: germline.
Comment: Variant identified in a genome or exome case(s) and assessed due to predicted null impact of the variant or pathogenic assertions in the literature or databases. Disclaimer: This variant has not undergone full assessment. The following are preliminary notes: Frequency

Breakthrough Genomics
Classification: Benign. Review status: criteria provided, single submitter. Criteria: ACMG Guidelines, 2015. Collection method: not provided. Allele origin: germline. Inheritance: Autosomal recessive inheritance. Affected: yes.